The following is an entry in ClinVar:

ClinVar aggregate classification (germline): Uncertain significance (1 of 4 stars; one submission).

Conditions:
Naxos disease (NXD). Also called: KERATOSIS PALMOPLANTARIS WITH ARRHYTHMOGENIC CARDIOMYOPATHY; MAL DE NAXOS; PALMOPLANTAR KERATODERMA WITH ARRHYTHMOGENIC RIGHT VENTRICULAR CARDIOMYOPATHY AND WOOLLY HAIR; CARDIOMYOPATHY, ARRHYTHMOGENIC RIGHT VENTRICULAR, WITH SKIN, HAIR, AND NAIL ABNORMALITIES; WOOLLY HAIR, PALMOPLANTAR KERATODERMA, AND CARDIAC ABNORMALITIES. Identifiers: Orphanet 34217, MedGen C1832600, MONDO:0011017, OMIM 601214.
Arrhythmogenic right ventricular dysplasia 12. Also called: ARRHYTHMOGENIC RIGHT VENTRICULAR DYSPLASIA, FAMILIAL, 12. Identifiers: MedGen C1969081, MONDO:0012684, OMIM 611528.

Submission:

Labcorp Genetics (formerly Invitae), Labcorp
Classification: Uncertain significance for Arrhythmogenic right ventricular dysplasia 12; Naxos disease. Last evaluated: 2025-05-27. Review status: criteria provided, single submitter. Criteria: Invitae Variant Classification Sherloc (09022015). Collection method: clinical testing. Allele origin: germline.
Comment: This sequence change replaces asparagine, which is neutral and polar, with serine, which is neutral and polar, at codon 479 of the JUP protein (p.Asn479Ser). This variant is not present in population databases (gnomAD no frequency). This variant has not been reported in the literature in individuals affected with JUP-related conditions. An algorithm developed to predict the effect of missense changes on protein structure and function (PolyPhen-2) suggests that this variant is likely to be tolerated. In summary, the available evidence is currently insufficient to determine the role of this variant in disease. Therefore, it has been classified as a Variant of Uncertain Significance.

NM_002230.4(JUP):c.1436A>G (p.Asn479Ser)

Gene: JUP (junction plakoglobin; minus strand). Cytogenetic location: 17q21.2.
Variant type: single nucleotide variant.
Coding change: c.1436A>G on transcript NM_002230.4 (MANE Select); coding-DNA position 1436, A replaced by G.
Protein change: p.Asn479Ser; replaces asparagine 479 with serine.
Molecular consequence: missense variant.
Genome position (GRCh38, 1-based): chr17:41,763,044, T>C on the plus strand (A>G on the coding strand, the complement: JUP is on the minus strand). VCF-style: chr17-41763044-T-C. GRCh37 (hg19) VCF-style: chr17-39919296-T-C.
Other names: c.1436A>G, p.Asn479Ser (NM_001352773.2, NM_001352774.2, NM_001352775.2 and 3 more transcripts); short protein forms N479S.
Identifiers: ClinVar variation 4783833 (VCV004783833.1).
Genomic context (GRCh38, chr17:41,763,044, plus strand): 5'-TTGACCAGTGGCCACTGGTTGGGCTGGTTGAGCAGCTTCACGATGGCTGGGATGCCATAG[T>C]TGAGACGCACAGAGTTCTGGGCCATCTCGGCCTCAGGGTGGCGGCTAGTGAGGTGGCGCA-3'
Protein context (NP_002221.1, residues 469-489): AEMAQNSVRL[Asn479Ser]YGIPAIVKLL